The following is an entry in ClinVar:

NM_001358921.2(COQ2):c.451G>A (p.Ala151Thr)

Gene: COQ2 (coenzyme Q2, polyprenyltransferase; minus strand). Cytogenetic location: 4q21.23.
Variant type: single nucleotide variant.
Coding change: c.451G>A on transcript NM_001358921.2 (MANE Select); coding-DNA position 451, G replaced by A.
Protein change: p.Ala151Thr; replaces alanine 151 with threonine.
Molecular consequence: missense variant.
Genome position (GRCh38, 1-based): chr4:83,273,587, C>T on the plus strand (G>A on the coding strand, the complement: COQ2 is on the minus strand). VCF-style: chr4-83273587-C-T. GRCh37 (hg19) VCF-style: chr4-84194740-C-T.
Other names: c.601G>A, p.Ala201Thr (NM_015697.9); short protein forms A151T, A201T.
Identifiers: ClinVar variation 1449446 (VCV001449446.6), dbSNP rs372949213, ClinGen allele CA2988596.

ClinVar aggregate classification (germline): Uncertain significance. Review status: criteria provided, multiple submitters, no conflicts (2 of 4 stars). 3 submissions from 3 submitters: Uncertain significance (3). Last evaluated 2024-08-08.

Conditions:
Coenzyme Q10 deficiency, primary, 1. Also called: UBIQUINONE DEFICIENCY 1; COENZYME Q DEFICIENCY 1; CoQ DEFICIENCY 1. Identifiers: Orphanet 255249, MedGen C3551954, MONDO:0011829, OMIM 607426.
Multiple system atrophy 1, susceptibility to. Also called: MSA1, SUSCEPTIBILITY TO. Identifiers: MedGen C3714927, MONDO:0020715, OMIM 146500.

Allele frequency attached by ClinVar (database versions not stated): gnomAD exomes 0.00005; TOPMed 0.00006; gnomAD 0.00007; ESP Exome Variant Server 0.00017.

Submissions (3):

Blueprint Genetics
Classification: Uncertain significance. Last evaluated: 2024-08-08. Review status: criteria provided, single submitter. Criteria: ACMG Guidelines, 2015. Collection method: clinical testing. Allele origin: germline.

Fulgent Genetics
Classification: Uncertain significance for Multiple system atrophy 1, susceptibility to; Coenzyme Q10 deficiency, primary, 1. Last evaluated: 2024-01-08. Review status: criteria provided, single submitter. Criteria: ACMG Guidelines, 2015. Collection method: clinical testing. Allele origin: germline.

Labcorp Genetics (formerly Invitae), Labcorp
Classification: Uncertain significance. Last evaluated: 2021-12-03. Review status: criteria provided, single submitter. Criteria: Invitae Variant Classification Sherloc (09022015). Collection method: clinical testing. Allele origin: germline.
Comment: This sequence change replaces alanine, which is neutral and non-polar, with threonine, which is neutral and polar, at codon 201 of the COQ2 protein (p.Ala201Thr). This variant is present in population databases (rs372949213, gnomAD 0.02%). This variant has not been reported in the literature in individuals affected with COQ2-related conditions. Algorithms developed to predict the effect of missense changes on protein structure and function (SIFT, PolyPhen-2, Align-GVGD) all suggest that this variant is likely to be tolerated. In summary, the available evidence is currently insufficient to determine the role of this variant in disease. Therefore, it has been classified as a Variant of Uncertain Significance.